The following is an entry in ClinVar:

ClinVar aggregate classification (germline): Pathogenic (1 of 4 stars; one submission).

Conditions:
Primary ciliary dyskinesia. Also called: Ciliary dyskinesia. Identifiers: Orphanet 244, MedGen C0008780, MONDO:0016575, HP:0012265.

Allele frequency attached by ClinVar (database versions not stated): gnomAD exomes below 0.00001.

Submission:

Labcorp Genetics (formerly Invitae), Labcorp
Classification: Pathogenic for Primary ciliary dyskinesia. Last evaluated: 2023-03-01. Review status: criteria provided, single submitter. Criteria: Invitae Variant Classification Sherloc (09022015). Collection method: clinical testing. Allele origin: germline.
Comment: For these reasons, this variant has been classified as Pathogenic. This sequence change creates a premature translational stop signal (p.Ala4315Aspfs*13) in the DNAH11 gene. It is expected to result in an absent or disrupted protein product. Loss-of-function variants in DNAH11 are known to be pathogenic (PMID: 18022865, 20513915, 22184204). This variant is not present in population databases (gnomAD no frequency). This variant has not been reported in the literature in individuals affected with DNAH11-related conditions.

Literature cited by the submitters: PubMed 18022865; PubMed 20513915; PubMed 22184204.

NM_001277115.2(DNAH11):c.12944del (p.Ala4315fs)

Gene: DNAH11 (dynein axonemal heavy chain 11; plus strand). Cytogenetic location: 7p15.3.
Variant type: Deletion.
Coding change: c.12944del on transcript NM_001277115.2 (MANE Select); coding-DNA position 12944, one base deleted (C; older notation c.12944delC).
Protein change: p.Ala4315fs; shifts the reading frame from alanine 4315.
Molecular consequence: frameshift variant.
Genome position (GRCh38, 1-based): chr7:21,894,894, C deleted. VCF-style (leftmost placement, unchanged base first): chr7-21894893-GC-G. GRCh37 (hg19) VCF-style: chr7-21934511-GC-G.
Other names: c.12965delC, p.Ala4322Aspfs (NM_003777.3); short protein forms A4315fs.
Identifiers: ClinVar variation 2841716 (VCV002841716.3), dbSNP rs2534131357, ClinGen allele CA2681992933.